The following is an entry in ClinVar:

NM_198253.3(TERT):c.1195_1210dup (p.Pro404fs)

Gene: TERT (telomerase reverse transcriptase; minus strand). Cytogenetic location: 5p15.33.
Variant type: Duplication.
Coding change: c.1195_1210dup on transcript NM_198253.3 (MANE Select); coding-DNA positions 1195 to 1210, 16 bases duplicated (AACCACGCGCAGTGCC).
Protein change: p.Pro404fs; shifts the reading frame from proline 404.
Molecular consequence: frameshift variant. On other transcripts: non-coding transcript variant (2).
Genome position (GRCh38, 1-based): chr5:1,293,676-1,293,691, GGCACTGCGCGTGGTT duplicated on the plus strand (AACCACGCGCAGTGCC on the coding strand, the reverse complement: TERT is on the minus strand). VCF-style (leftmost placement, unchanged base first): chr5-1293675-G-GGGCACTGCGCGTGGTT. GRCh37 (hg19) VCF-style: chr5-1293790-G-GGGCACTGCGCGTGGTT.
Other names: c.1195_1210dup, p.Pro404fs (NM_001193376.3); short protein forms P404fs.
Identifiers: ClinVar variation 3385331 (VCV003385331.3).

ClinVar aggregate classification (germline): Likely pathogenic. Review status: criteria provided, multiple submitters, no conflicts (2 of 4 stars). 2 submissions from 2 submitters: Likely pathogenic (2). Last evaluated 2024-12-04.

Conditions:
Pulmonary fibrosis and/or bone marrow failure, Telomere-related, 1. Also called: PULMONARY FIBROSIS AND/OR BONE MARROW FAILURE SYNDROME, TELOMERE-RELATED, 1. Identifiers: Orphanet 88, MedGen C3553617, MONDO:0013878, OMIM 614742.
TERT-related disorder. Also called: TERT-related condition; TERT-related disorders.

Submissions (2):

Department of Medical Genomics, Royal Prince Alfred Hospital
Classification: Likely pathogenic for Pulmonary fibrosis and/or bone marrow failure, Telomere-related, 1. Last evaluated: 2024-12-04. Review status: criteria provided, single submitter. Criteria: ACMG Guidelines, 2015. Collection method: clinical testing. Allele origin: germline. Inheritance: Autosomal dominant inheritance. Affected: yes. Observed: 1 heterozygote.
Comment: There is also evidence of myelodysplastic syndrome. This 16bp duplication leads to a premature termination codon, p.(Pro404Glnfs*140) and the transcript is expected to be subject to nonsense mediated decay. This variant has been observed at a very low frequency in control population database (variant allelic frequency 0.0002%, gnomAD v4.1.0).

Blueprint Genetics
Classification: Likely pathogenic for TERT-related disorders. Last evaluated: 2023-10-20. Review status: criteria provided, single submitter. Criteria: ACMG Guidelines, 2015. Collection method: clinical testing. Allele origin: germline. Affected: yes. Observed: 1 variant allele.